The following is an entry in ClinVar:

ClinVar aggregate classification (germline): Uncertain significance (1 of 4 stars; one submission).

Submission:

CeGaT Center for Human Genetics Tuebingen
Classification: Uncertain significance. Last evaluated: 2024-09-01. Review status: criteria provided, single submitter. Criteria: CeGaT Center For Human Genetics Tuebingen Variant Classification Criteria Version 2. Collection method: clinical testing. Allele origin: germline. Affected: yes. Observed: 1 variant allele.
Comment: SAMD9: PM2, PS2:Supporting, BP4

NM_017654.4(SAMD9):c.4378C>G (p.Leu1460Val)

Gene: SAMD9 (sterile alpha motif domain containing 9; minus strand). Cytogenetic location: 7q21.2.
Variant type: single nucleotide variant.
Coding change: c.4378C>G on transcript NM_017654.4 (MANE Select); coding-DNA position 4378, C replaced by G.
Protein change: p.Leu1460Val; replaces leucine 1460 with valine.
Molecular consequence: missense variant.
Genome position (GRCh38, 1-based): chr7:93,101,720, G>C on the plus strand (C>G on the coding strand, the complement: SAMD9 is on the minus strand). VCF-style: chr7-93101720-G-C. GRCh37 (hg19) VCF-style: chr7-92731033-G-C.
Other names: c.4378C>G, p.Leu1460Val (NM_001193307.2); short protein forms L1460V.
Identifiers: ClinVar variation 3389535 (VCV003389535.14).
Genomic context (GRCh38, chr7:93,101,720, plus strand): 5'-ATGCAATTGGTTGCTTTGTACGATGCATATGTTTATATTGCCCCTTGAAAGAATTTTTTA[G>C]TGCTTGAGCATACTCTTTCATTTGTTCAGAATGTTGATCTAGTTGTTGATTTTCTGGCCA-3'
Protein context (NP_060124.2, residues 1450-1470): SEQMKEYAQA[Leu1460Val]KNSFKGQYKH